The following is an entry in ClinVar:

NM_002834.5(PTPN11):c.289G>A (p.Glu97Lys)

Gene: PTPN11 (protein tyrosine phosphatase non-receptor type 11; plus strand). Cytogenetic location: 12q24.13.
Variant type: single nucleotide variant.
Coding change: c.289G>A on transcript NM_002834.5 (MANE Select); coding-DNA position 289, G replaced by A.
Protein change: p.Glu97Lys; replaces glutamic acid 97 with lysine.
Molecular consequence: missense variant.
Genome position (GRCh38, 1-based): chr12:112,450,469, G>A. VCF-style: chr12-112450469-G-A. GRCh37 (hg19) VCF-style: chr12-112888273-G-A.
Other names: c.289G>A (NM_002834.3); c.289G>A, p.Glu97Lys (NM_001330437.2, NM_080601.3); c.286G>A, p.Glu96Lys (NM_001374625.1); short protein forms E97K, E96K.
Identifiers: ClinVar variation 1502687 (VCV001502687.8), dbSNP rs397507516, ClinGen allele CA386778236.

ClinVar aggregate classification (germline): Uncertain significance. Review status: criteria provided, multiple submitters, no conflicts (2 of 4 stars). 3 submissions from 3 submitters: Uncertain significance (3). Last evaluated 2024-11-26.

Conditions:
RASopathy. Also called: rasopathies; Noonan spectrum disorder. Identifiers: Orphanet 536391, MedGen C5555857, MONDO:0021060.
Juvenile myelomonocytic leukemia (JMML). Also called: LEUKEMIA, JUVENILE MYELOMONOCYTIC, SOMATIC. Identifiers: Orphanet 86834, MedGen C0349639, MONDO:0011908, OMIM 607785, HP:0012209.
LEOPARD syndrome 1 (LPRD1). Also called: LENTIGINOSIS, CARDIOMYOPATHIC; MULTIPLE LENTIGINES SYNDROME; PTPN11-Related LEOPARD Syndrome. Identifiers: Orphanet 500, MedGen C4551484, MONDO:0100082, OMIM 151100.
Noonan syndrome 1 (NS1). Also called: FEMALE PSEUDO-TURNER SYNDROME; TURNER PHENOTYPE WITH NORMAL KARYOTYPE; PTPN11-Related Noonan Syndrome. Identifiers: Orphanet 648, MedGen C4551602, MONDO:0008104, OMIM 163950. Disease mechanism: gain of function.
Metachondromatosis (METCDS). Identifiers: Orphanet 2499, MedGen C0410530, MONDO:0007979, OMIM 156250.

gnomAD v4.1: 1 of 1,614,052 alleles (0.000062%); highest among the groups gnomAD compares: African/African-American, 0.0013%; no homozygotes.

Submissions (3):

GeneDx
Classification: Uncertain significance. Last evaluated: 2024-11-26. Review status: criteria provided, single submitter. Criteria: GeneDx Variant Classification Process June 2021. Collection method: clinical testing. Allele origin: germline. Affected: yes.
Comment: Missense variants in this gene are a common cause of disease and they are underrepresented in the general population; In silico analysis supports that this missense variant has a deleterious effect on protein structure/function; Has not been previously published as pathogenic or benign to our knowledge; This variant is associated with the following publications: (PMID: 29493581)

Fulgent Genetics
Classification: Uncertain significance for LEOPARD syndrome 1; Metachondromatosis; Noonan syndrome 1; Juvenile myelomonocytic leukemia. Last evaluated: 2022-02-24. Review status: criteria provided, single submitter. Criteria: ACMG Guidelines, 2015. Collection method: clinical testing. Allele origin: unknown.

Labcorp Genetics (formerly Invitae), Labcorp
Classification: Uncertain significance for RASopathy. Last evaluated: 2021-10-31. Review status: criteria provided, single submitter. Criteria: Invitae Variant Classification Sherloc (09022015). Collection method: clinical testing. Allele origin: germline.
Comment: In summary, the available evidence is currently insufficient to determine the role of this variant in disease. Therefore, it has been classified as a Variant of Uncertain Significance. Advanced modeling of protein sequence and biophysical properties (such as structural, functional, and spatial information, amino acid conservation, physicochemical variation, residue mobility, and thermodynamic stability) performed at Invitae indicates that this missense variant is expected to disrupt PTPN11 protein function. This variant has not been reported in the literature in individuals affected with PTPN11-related conditions. This variant is not present in population databases (gnomAD no frequency). This sequence change replaces glutamic acid, which is acidic and polar, with lysine, which is basic and polar, at codon 97 of the PTPN11 protein (p.Glu97Lys).